The following is an entry in ClinVar:

ClinVar aggregate classification (germline): Uncertain significance (1 of 4 stars; one submission).

Conditions:
Aortic aneurysm, familial thoracic 4 (AAT4). Also called: AORTIC ANEURYSM/AORTIC DISSECTION AND PATENT DUCTUS ARTERIOSUS. Identifiers: MedGen C1851504, MONDO:0007568, OMIM 132900.

Submission:

Labcorp Genetics (formerly Invitae), Labcorp
Classification: Uncertain significance for Aortic aneurysm, familial thoracic 4. Last evaluated: 2025-06-08. Review status: criteria provided, single submitter. Criteria: Invitae Variant Classification Sherloc (09022015). Collection method: clinical testing. Allele origin: germline.
Comment: This sequence change replaces arginine, which is basic and polar, with serine, which is neutral and polar, at codon 769 of the MYH11 protein (p.Arg769Ser). This variant is not present in population databases (gnomAD no frequency). This variant has not been reported in the literature in individuals affected with MYH11-related conditions. Invitae Evidence Modeling of protein sequence and biophysical properties (such as structural, functional, and spatial information, amino acid conservation, physicochemical variation, residue mobility, and thermodynamic stability) has been performed for this missense variant. However, the output from this modeling did not meet the statistical confidence thresholds required to predict the impact of this variant on MYH11 protein function. In summary, the available evidence is currently insufficient to determine the role of this variant in disease. Therefore, it has been classified as a Variant of Uncertain Significance.

NM_002474.3(MYH11):c.2286G>T (p.Arg762Ser)

Gene: MYH11 (myosin heavy chain 11; minus strand). Cytogenetic location: 16p13.11.
Variant type: single nucleotide variant.
Coding change: c.2286G>T on transcript NM_002474.3 (MANE Select); coding-DNA position 2286, G replaced by T.
Protein change: p.Arg762Ser; replaces arginine 762 with serine.
Molecular consequence: missense variant.
Genome position (GRCh38, 1-based): chr16:15,747,695, C>A on the plus strand (G>T on the coding strand, the complement: MYH11 is on the minus strand). VCF-style: chr16-15747695-C-A. GRCh37 (hg19) VCF-style: chr16-15841552-C-A.
Other names: c.2307G>T, p.Arg769Ser (NM_001040113.2, NM_001040114.2); c.2286G>T, p.Arg762Ser (NM_022844.3); short protein forms R769S, R762S.
Identifiers: ClinVar variation 4745885 (VCV004745885.1).